The following is an entry in ClinVar:

ClinVar aggregate classification (germline): Pathogenic (1 of 4 stars; one submission).

Conditions:
Developmental and epileptic encephalopathy, 11 (DEE11). Also called: Early infantile epileptic encephalopathy 11. Identifiers: Orphanet 1934, MedGen C3150987, MONDO:0013388, OMIM 613721.
Seizures, benign familial infantile, 3 (BFIS3). Also called: CONVULSIONS, BENIGN FAMILIAL INFANTILE, 3; Familial neonatal seizures. Identifiers: Orphanet 140927, Orphanet 306, MedGen C1843140, MONDO:0011904, OMIM 607745.

Submission:

Labcorp Genetics (formerly Invitae), Labcorp
Classification: Pathogenic for Seizures, benign familial infantile, 3; Developmental and epileptic encephalopathy, 11. Last evaluated: 2024-07-18. Review status: criteria provided, single submitter. Criteria: Invitae Variant Classification Sherloc (09022015). Collection method: clinical testing. Allele origin: germline.
Comment: This sequence change creates a premature translational stop signal (p.Ala880Leufs*2) in the SCN2A gene. It is expected to result in an absent or disrupted protein product. Loss-of-function variants in SCN2A are known to be pathogenic (PMID: 28379373). This variant is not present in population databases (gnomAD no frequency). This variant has not been reported in the literature in individuals affected with SCN2A-related conditions. For these reasons, this variant has been classified as Pathogenic.

Literature cited by the submitters: PubMed 28379373.

NM_001040142.2(SCN2A):c.2638del (p.Ala880fs)

Gene: SCN2A (sodium voltage-gated channel alpha subunit 2; plus strand). Cytogenetic location: 2q24.3.
Variant type: Deletion.
Coding change: c.2638del on transcript NM_001040142.2 (MANE Select); coding-DNA position 2638, one base deleted (G; older notation c.2638delG).
Protein change: p.Ala880fs; shifts the reading frame from alanine 880.
Molecular consequence: frameshift variant.
Genome position (GRCh38, 1-based): chr2:165,344,630, G deleted; the last of 5 consecutive G bases (chr2:165,344,626-165,344,630); deleting any one gives the same sequence. VCF-style (leftmost placement, unchanged base first): chr2-165344625-TG-T. GRCh37 (hg19) VCF-style: chr2-166201135-TG-T.
Other names: c.2638del, p.Ala880fs (NM_001040143.2, NM_001371246.1, NM_001371247.1 and 1 more transcripts); short protein forms A880fs.
Identifiers: ClinVar variation 3757290 (VCV003757290.2).
Genomic context (GRCh38, chr2:165,344,625, plus strand): 5'-TCAAGTTGGCAAAATCTTGGCCAACTCTAAATATGCTAATTAAGATCATTGGCAATTCTG[TG>T]GGGGCTCTAGGAAACCTCACCTTGGTATTGGCCATCATCGTCTTCATTTTTGCTGTGGTC-3'